The following is an entry in ClinVar:

NM_000384.3(APOB):c.435G>A (p.Pro145=)

Gene: APOB (apolipoprotein B; minus strand). Cytogenetic location: 2p24.1.
Variant type: single nucleotide variant.
Coding change: c.435G>A on transcript NM_000384.3 (MANE Select); coding-DNA position 435, G replaced by A.
Protein change: p.Pro145=; no amino-acid change (proline 145 retained).
Molecular consequence: synonymous variant.
Genome position (GRCh38, 1-based): chr2:21,038,060, C>T on the plus strand (G>A on the coding strand, the complement: APOB is on the minus strand). VCF-style: chr2-21038060-C-T. GRCh37 (hg19) VCF-style: chr2-21260932-C-T.
Identifiers: ClinVar variation 898939 (VCV000898939.48), dbSNP rs576323709, ClinGen allele CA060910.

ClinVar aggregate classification (germline): Conflicting classifications of pathogenicity. Review status: criteria provided, conflicting classifications (1 of 4 stars). 5 submissions from 4 submitters: Uncertain significance (2); Benign (1); Likely benign (2). Last evaluated 2026-08-01.

Conditions:
Cardiovascular phenotype. Identifiers: MedGen CN230736.
Hypercholesterolemia, autosomal dominant, type B (FHCL2). Also called: APOLIPOPROTEIN B-100, FAMILIAL DEFECTIVE; APOLIPOPROTEIN B-100, FAMILIAL LIGAND-DEFECTIVE; Familial Hypercholesterolemia Type B; Familial hypercholesterolemia 2; HYPERCHOLESTEROLEMIA, FAMILIAL, DUE TO LIGAND-DEFECTIVE APOLIPOPROTEIN B; Hyperlipoproteinemia Type IIb. Identifiers: MedGen C1704417, MONDO:0007751, OMIM 144010.
Familial hypobetalipoproteinemia 1. Also called: APOB-Related Familial Hypobetalipoproteinemia; Hypobetalipoproteinemia, normotriglyceridemic; Acanthocytosis with hypobetalipoproteinemia. Identifiers: MedGen C4551990, MONDO:0014252, OMIM 615558.

Allele frequency attached by ClinVar (database versions not stated): ExAC 0.00004; gnomAD exomes 0.00004 and 0.00003; gnomAD 0.00002.
gnomAD v4.1: 42 of 1,614,020 alleles (0.0026%); highest among the groups gnomAD compares: Middle Eastern, 0.016%; no homozygotes.

Submissions (5):

CeGaT Center for Human Genetics Tuebingen
Classification: Likely benign. Last evaluated: 2026-08-01. Review status: criteria provided, single submitter. Criteria: CeGaT Center For Human Genetics Tuebingen Variant Classification Criteria Version 2. Collection method: clinical testing. Allele origin: germline. Affected: yes. Observed: 2 variant alleles.
Comment: APOB: BP4, BP7

Labcorp Genetics (formerly Invitae), Labcorp
Classification: Benign for Familial hypobetalipoproteinemia 1; Hypercholesterolemia, autosomal dominant, type B. Last evaluated: 2025-06-01. Review status: criteria provided, single submitter. Criteria: Invitae Variant Classification Sherloc (09022015). Collection method: clinical testing. Allele origin: germline.

Ambry Genetics
Classification: Likely benign for Cardiovascular phenotype. Last evaluated: 2022-11-20. Review status: criteria provided, single submitter. Criteria: Ambry Variant Classification Scheme 2023. Collection method: clinical testing. Allele origin: germline.

Illumina Laboratory Services, Illumina
Classification: Uncertain significance for Familial hypobetalipoproteinemia 1. Last evaluated: 2018-01-12. Review status: criteria provided, single submitter. Criteria: ICSL Variant Classification Criteria 13 December 2019. Collection method: clinical testing. Allele origin: germline.

Illumina Laboratory Services, Illumina
Classification: Uncertain significance for Hypercholesterolemia, autosomal dominant, type B. Last evaluated: 2018-01-12. Review status: criteria provided, single submitter. Criteria: ICSL Variant Classification Criteria 13 December 2019. Collection method: clinical testing. Allele origin: germline.